The following is an entry in ClinVar:

ClinVar aggregate classification (germline): Pathogenic/Likely pathogenic. Review status: criteria provided, multiple submitters, no conflicts (2 of 4 stars). 3 submissions from 3 submitters: Pathogenic (1); Likely pathogenic (2). Last evaluated 2025-10-14.

Conditions:
3-methylcrotonyl-CoA carboxylase 2 deficiency. Also called: METHYLCROTONYLGLYCINURIA, TYPE II; 3 alpha methylcrotonyl-CoA carboxylase 2 deficiency; 3 alpha methylcrotonylglycinuria 2; MCC 2 deficiency; Methylcrotonylglycinuria type 2. Identifiers: Orphanet 6, MedGen C1859499, MONDO:0008862, OMIM 210210.

Submissions (3):

Natera, Inc.
Classification: Likely pathogenic for 3-methylcrotonyl-CoA carboxylase 2 deficiency. Last evaluated: 2025-10-14. Review status: criteria provided, single submitter. Criteria: Natera Variant Classification Schema (03/2026). Collection method: clinical testing. Allele origin: germline.
Comment: The c.689delA variant in MCCC2 is a frameshift variant predicted to shift the reading frame beginning at codon 230 and leads to a stop codon 43 codons downstream. This variant is expected to result in nonsense mediated decay, truncation, or a dysfunctional protein product. This variant is rare in the general population with a frequency below the threshold expected for the associated phenotype(s). Given the available evidence, this variant is classified as Likely Pathogenic.

Labcorp Genetics (formerly Invitae), Labcorp
Classification: Pathogenic for 3-methylcrotonyl-CoA carboxylase 2 deficiency. Last evaluated: 2025-01-27. Review status: criteria provided, single submitter. Criteria: Invitae Variant Classification Sherloc (09022015). Collection method: clinical testing. Allele origin: germline.
Comment: This sequence change creates a premature translational stop signal (p.Asn230Thrfs*43) in the MCCC2 gene. It is expected to result in an absent or disrupted protein product. Loss-of-function variants in MCCC2 are known to be pathogenic (PMID: 11181649, 22642865). This variant is not present in population databases (gnomAD no frequency). This variant has not been reported in the literature in individuals affected with MCCC2-related conditions. ClinVar contains an entry for this variant (Variation ID: 1453800). For these reasons, this variant has been classified as Pathogenic.

Fulgent Genetics
Classification: Likely pathogenic for 3-methylcrotonyl-CoA carboxylase 2 deficiency. Last evaluated: 2022-05-10. Review status: criteria provided, single submitter. Criteria: ACMG Guidelines, 2015. Collection method: clinical testing. Allele origin: unknown.

Literature cited by the submitters: PubMed 11181649 (cited by Labcorp Genetics (formerly Invitae), Labcorp); PubMed 22642865 (cited by Labcorp Genetics (formerly Invitae), Labcorp).

NM_022132.5(MCCC2):c.689del (p.Asn230fs)

Gene: MCCC2 (methylcrotonyl-CoA carboxylase subunit 2; plus strand). Cytogenetic location: 5q13.2.
Variant type: Deletion.
Coding change: c.689del on transcript NM_022132.5 (MANE Select); coding-DNA position 689, one base deleted (A; older notation c.689delA).
Protein change: p.Asn230fs; shifts the reading frame from asparagine 230.
Molecular consequence: frameshift variant. On other transcripts: intron variant (1).
Genome position (GRCh38, 1-based): chr5:71,626,704, A deleted; the last of 4 consecutive A bases (chr5:71,626,701-71,626,704); deleting any one gives the same sequence. VCF-style (leftmost placement, unchanged base first): chr5-71626700-GA-G. GRCh37 (hg19) VCF-style: chr5-70922527-GA-G.
Other names: c.625-5417del (NM_001363147.1); c.689delA (NM_022132.4); short protein forms N230fs.
Identifiers: ClinVar variation 1453800 (VCV001453800.10), dbSNP rs2112412398, ClinGen allele CA645564804.